The following is an entry in ClinVar:

ClinVar aggregate classification (germline): Uncertain significance (1 of 4 stars; one submission).

Conditions:
Myoclonic dystonia 11 (DYT11). Also called: Myoclonic dystonia; Dystonia 11; Dystonia, alcohol responsive; Hereditary essential myoclonus; SGCE Myoclonus-Dystonia; Myoclonus-Dystonia. Identifiers: Orphanet 36899, MedGen C1834570, MONDO:0008044, OMIM 159900.

Submission:

Labcorp Genetics (formerly Invitae), Labcorp
Classification: Uncertain significance for Myoclonic dystonia 11. Last evaluated: 2024-06-25. Review status: criteria provided, single submitter. Criteria: Invitae Variant Classification Sherloc (09022015). Collection method: clinical testing. Allele origin: germline.
Comment: This sequence change replaces proline, which is neutral and non-polar, with serine, which is neutral and polar, at codon 412 of the SGCE protein (p.Pro412Ser). This variant is not present in population databases (gnomAD no frequency). This variant has not been reported in the literature in individuals affected with SGCE-related conditions. Advanced modeling of protein sequence and biophysical properties (such as structural, functional, and spatial information, amino acid conservation, physicochemical variation, residue mobility, and thermodynamic stability) performed at Invitae indicates that this missense variant is expected to disrupt SGCE protein function with a positive predictive value of 80%. In summary, the available evidence is currently insufficient to determine the role of this variant in disease. Therefore, it has been classified as a Variant of Uncertain Significance.

NM_003919.3(SGCE):c.1234C>T (p.Pro412Ser)

Genes: CASD1 (CAS1 domain sialic acid O acetyltransferase 1; plus strand), SGCE (sarcoglycan epsilon; minus strand). Cytogenetic location: 7q21.3.
Variant type: single nucleotide variant.
Coding change: c.1234C>T on transcript NM_003919.3 (MANE Select); coding-DNA position 1234, C replaced by T.
Protein change: p.Pro412Ser; replaces proline 412 with serine.
Molecular consequence: missense variant.
Genome position (GRCh38, 1-based): chr7:94,598,794, G>A on the plus strand (C>T on the coding strand, the complement: SGCE is on the minus strand). VCF-style: chr7-94598794-G-A. GRCh37 (hg19) VCF-style: chr7-94228106-G-A.
Other names: c.1207C>T, p.Pro403Ser (NM_001099400.2, NM_001346717.2); c.1234C>T, p.Pro412Ser (NM_001099401.2); c.1111C>T, p.Pro371Ser (NM_001301139.2); c.1342C>T, p.Pro448Ser (NM_001346713.2); c.1315C>T, p.Pro439Ser (NM_001346715.2); c.1147C>T, p.Pro383Ser (NM_001346719.2); c.961C>T, p.Pro321Ser (NM_001346720.2); c.1120C>T, p.Pro374Ser (NM_001362807.2); and 2 more; short protein forms P412S, P312S, P371S, P403S, P448S, P383S, P439S, P321S.
Identifiers: ClinVar variation 2739550 (VCV002739550.3), dbSNP rs2484921841, ClinGen allele CA368228844.
Genomic context (GRCh38, chr7:94,598,794, plus strand): 5'-TACATGCATATTAATAATTATGGCTCTAAGTGGACACTTACTGCTGCGTTTGCATCAATG[G>A]CATGTTTGTGCTATCATAGTTGTCTGTGTGTAAAGGAGGTATGATTTCCCCAGTCACAGG-3'
Protein context (NP_003910.1, residues 402-422): HTDNYDSTNM[Pro412Ser]LMQTQQNLPH